The following is an entry in ClinVar:

ClinVar aggregate classification (germline): Likely benign. Review status: criteria provided, multiple submitters, no conflicts (2 of 4 stars). 2 submissions from 2 submitters: Likely benign (2). Last evaluated 2025-10-07.

Allele frequency attached by ClinVar (database versions not stated): gnomAD 0.00002 and 0.00003; gnomAD exomes 0.00005 and 0.00003; ExAC 0.00006; 1000 Genomes Project 30x 0.00016; 1000 Genomes Project 0.00020.
gnomAD v4.1: 58 of 1,608,692 alleles (0.0036%); highest among the groups gnomAD compares: South Asian, 0.05%; no homozygotes.

Submissions (2):

Labcorp Genetics (formerly Invitae), Labcorp
Classification: Likely benign. Last evaluated: 2025-10-07. Review status: criteria provided, single submitter. Criteria: Invitae Variant Classification Sherloc (09022015). Collection method: clinical testing. Allele origin: germline.

GeneDx
Classification: Likely benign. Last evaluated: 2017-11-06. Review status: criteria provided, single submitter. Criteria: GeneDx Variant Classification (06012015). Collection method: clinical testing. Allele origin: germline. Affected: yes.
Comment: This variant is considered likely benign or benign based on one or more of the following criteria: it is a conservative change, it occurs at a poorly conserved position in the protein, it is predicted to be benign by multiple in silico algorithms, and/or has population frequency not consistent with disease.

NM_001069.3(TUBB2A):c.423C>T (p.Gly141=)

Gene: TUBB2A (tubulin beta 2A class IIa; minus strand). Cytogenetic location: 6p25.2.
Variant type: single nucleotide variant.
Coding change: c.423C>T on transcript NM_001069.3 (MANE Select); coding-DNA position 423, C replaced by T.
Protein change: p.Gly141=; no amino-acid change (glycine 141 retained).
Molecular consequence: synonymous variant.
Genome position (GRCh38, 1-based): chr6:3,154,778, G>A on the plus strand (C>T on the coding strand, the complement: TUBB2A is on the minus strand). VCF-style: chr6-3154778-G-A. GRCh37 (hg19) VCF-style: chr6-3155012-G-A.
Other names: c.168C>T, p.Gly56= (NM_001310315.2).
Identifiers: ClinVar variation 513023 (VCV000513023.9), dbSNP rs555332069, ClinGen allele CA3619020.
Genomic context (GRCh38, chr6:3,154,778, plus strand): 5'-GTCTGGGTACTCTTCCCGGATCTTGCTGATGAGCAGGGTGCCCATCCCGGACCCCGTGCC[G>A]CCCCCCAGAGAGTGGGTCAGCTGGAAGCCCTGGAGACAGTCACAGCTCTCTGACTCCTTC-3'
Protein context (NP_001060.1, residues 131-151): QGFQLTHSLG[Gly141=]GTGSGMGTLL